The following is an entry in ClinVar:

ClinVar aggregate classification (germline): Uncertain significance. Review status: criteria provided, multiple submitters, no conflicts (2 of 4 stars). 2 submissions from 2 submitters: Uncertain significance (2). Last evaluated 2025-09-24.

Conditions:
Distal hereditary motor neuropathy type 2. Identifiers: Orphanet 139525, MedGen C3711384, MeSH C580044, MONDO:0015352.

Allele frequency attached by ClinVar (database versions not stated): gnomAD exomes 0.00001 and 0.00004; ExAC 0.00002; gnomAD 0.00003; TOPMed 0.00004.

Submissions (2):

Labcorp Genetics (formerly Invitae), Labcorp
Classification: Uncertain significance for Distal hereditary motor neuropathy type 2. Last evaluated: 2025-09-24. Review status: criteria provided, single submitter. Criteria: Invitae Variant Classification Sherloc (09022015). Collection method: clinical testing. Allele origin: germline.
Comment: This sequence change replaces methionine, which is neutral and non-polar, with valine, which is neutral and non-polar, at codon 1072 of the FBXO38 protein (p.Met1072Val). This variant is present in population databases (rs550138374, gnomAD 0.03%). This variant has not been reported in the literature in individuals affected with FBXO38-related conditions. This missense change has been observed in at least one individual who was not affected with FBXO38-related conditions (internal data). ClinVar contains an entry for this variant (Variation ID: 576603). An algorithm developed to predict the effect of missense changes on protein structure and function (PolyPhen-2) suggests that this variant is likely to be disruptive. In summary, the available evidence is currently insufficient to determine the role of this variant in disease. Therefore, it has been classified as a Variant of Uncertain Significance.

GeneDx
Classification: Uncertain significance. Last evaluated: 2023-03-30. Review status: criteria provided, single submitter. Criteria: GeneDx Variant Classification Process June 2021. Collection method: clinical testing. Allele origin: germline. Affected: yes.
Comment: In silico analysis supports that this missense variant has a deleterious effect on protein structure/function; Has not been previously published as pathogenic or benign to our knowledge; Variants in candidate genes are classified as variants of uncertain significance in accordance with ACMG guidelines (Richards et al., 2015)

NM_205836.3(FBXO38):c.3439A>G (p.Met1147Val)

Gene: FBXO38 (F-box protein 38; plus strand). Cytogenetic location: 5q32.
Variant type: single nucleotide variant.
Coding change: c.3439A>G on transcript NM_205836.3 (MANE Select); coding-DNA position 3439, A replaced by G.
Protein change: p.Met1147Val; replaces methionine 1147 with valine.
Molecular consequence: missense variant.
Genome position (GRCh38, 1-based): chr5:148,442,019, A>G. VCF-style: chr5-148442019-A-G. GRCh37 (hg19) VCF-style: chr5-147821582-A-G.
Other names: c.2704A>G, p.Met902Val (NM_001271723.2); c.3214A>G, p.Met1072Val (NM_030793.5); short protein forms M1072V, M902V, M1147V.
Identifiers: ClinVar variation 576603 (VCV000576603.9), dbSNP rs550138374, ClinGen allele CA3497752.